The following is an entry in ClinVar:

ClinVar aggregate classification (germline): Uncertain significance (1 of 4 stars; one submission).

Conditions:
Cardiovascular phenotype. Identifiers: MedGen CN230736.

gnomAD v4.1: 1 of 1,210,403 alleles (0.000083%); no homozygotes.

Submission:

Ambry Genetics
Classification: Uncertain significance for Cardiovascular phenotype. Last evaluated: 2020-03-30. Review status: criteria provided, single submitter. Criteria: Ambry Variant Classification Scheme 2023. Collection method: clinical testing. Allele origin: germline.
Comment: The p.P940L variant (also known as c.2819C>T), located in coding exon 22 of the DMD gene, results from a C to T substitution at nucleotide position 2819. The proline at codon 940 is replaced by leucine, an amino acid with similar properties. This amino acid position is highly conserved in available vertebrate species. In addition, the in silico prediction for this alteration is inconclusive. Since supporting evidence is limited at this time, the clinical significance of this alteration remains unclear.

NM_004006.3(DMD):c.2819C>T (p.Pro940Leu)

Gene: DMD (dystrophin; minus strand). Cytogenetic location: Xp21.1.
Variant type: single nucleotide variant.
Coding change: c.2819C>T on transcript NM_004006.3 (MANE Select); coding-DNA position 2819, C replaced by T.
Protein change: p.Pro940Leu; replaces proline 940 with leucine.
Molecular consequence: missense variant.
Genome position (GRCh38, 1-based): chrX:32,472,294, G>A on the plus strand (C>T on the coding strand, the complement: DMD is on the minus strand). VCF-style: chrX-32472294-G-A. GRCh37 (hg19) VCF-style: chrX-32490411-G-A.
Other names: c.2795C>T, p.Pro932Leu (NM_000109.4); c.2807C>T, p.Pro936Leu (NM_004009.3); c.2450C>T, p.Pro817Leu (NM_004010.3); short protein forms P936L, P817L, P932L, P940L.
Identifiers: ClinVar variation 1796405 (VCV001796405.2), dbSNP rs2524678927, ClinGen allele CA412668253.